The following is an entry in ClinVar:

ClinVar aggregate classification (germline): Conflicting classifications of pathogenicity. Review status: criteria provided, conflicting classifications (1 of 4 stars). 9 submissions from 9 submitters: Uncertain significance (7); Likely benign (2). Last evaluated 2026-09-17.

Conditions:
SMARCA4-related disorder. Also called: SMARCA4-related condition.
Hereditary cancer-predisposing syndrome. Also called: Hereditary Cancer Syndrome; Tumor predisposition; Hereditary neoplastic syndrome; Neoplastic Syndromes, Hereditary. Identifiers: Orphanet 140162, MedGen C0027672, MeSH D009386, MONDO:0015356.
Intellectual disability, autosomal dominant 16 (CSS4). Also called: COFFIN-SIRIS SYNDROME 4. Identifiers: Orphanet 1465, MedGen C3553249, MONDO:0013821, OMIM 614609.
Rhabdoid tumor predisposition syndrome 2 (RTPS2). Identifiers: Orphanet 231108, Orphanet 69077, MedGen C2750074, MONDO:0013224, OMIM 613325.

Allele frequency attached by ClinVar (database versions not stated): TOPMed 0.00002; gnomAD exomes 0.00001; ExAC 0.00001; gnomAD 0.00001; ESP Exome Variant Server 0.00008.
gnomAD v4.1: 21 of 1,601,548 alleles (0.0013%); highest among the groups gnomAD compares: East Asian, 0.009%; no homozygotes.

Submissions (9):

PreventionGenetics, part of Exact Sciences
Classification: Uncertain significance for SMARCA4-related condition. Last evaluated: 2026-09-17. Review status: criteria provided, single submitter. Criteria: ACMG Guidelines, 2015. Collection method: clinical testing. Allele origin: germline.
Comment: The SMARCA4 c.983C>T variant is predicted to result in the amino acid substitution p.Pro328Leu. To our knowledge, this variant has not been reported in the literature. This variant is reported in 0.0035% of alleles in individuals of South Asian descent in gnomAD and has conflicting interpretations in ClinVar ranging from likely benign to uncertain (Variation ID: 238535). At this time, the clinical significance of this variant is uncertain due to the absence of conclusive functional and genetic evidence.

Myriad Genetics, Inc.
Classification: Likely benign for Rhabdoid tumor predisposition syndrome 2. Last evaluated: 2026-07-06. Review status: criteria provided, single submitter. Criteria: Myriad Autosomal Dominant, Autosomal Recessive and X-Linked Classification Criteria (2023). Collection method: clinical testing. Allele origin: unknown.
Comment: This variant is considered likely benign. This variant has been observed at a population frequency that is significantly greater than expected given the associated disease prevalence and penetrance.

Labcorp Genetics (formerly Invitae), Labcorp
Classification: Uncertain significance for Rhabdoid tumor predisposition syndrome 2. Last evaluated: 2026-01-29. Review status: criteria provided, single submitter. Criteria: Invitae Variant Classification Sherloc (09022015). Collection method: clinical testing. Allele origin: germline.
Comment: This sequence change replaces proline, which is neutral and non-polar, with leucine, which is neutral and non-polar, at codon 328 of the SMARCA4 protein (p.Pro328Leu). This variant is present in population databases (rs370097699, gnomAD 0.003%). This variant has not been reported in the literature in individuals affected with SMARCA4-related conditions. ClinVar contains an entry for this variant (Variation ID: 238535). Invitae Evidence Modeling of protein sequence and biophysical properties (such as structural, functional, and spatial information, amino acid conservation, physicochemical variation, residue mobility, and thermodynamic stability) has been performed for this missense variant. However, the output from this modeling did not meet the statistical confidence thresholds required to predict the impact of this variant on SMARCA4 protein function. In summary, the available evidence is currently insufficient to determine the role of this variant in disease. Therefore, it has been classified as a Variant of Uncertain Significance.

CeGaT Center for Human Genetics Tuebingen
Classification: Uncertain significance. Last evaluated: 2025-05-01. Review status: criteria provided, single submitter. Criteria: CeGaT Center For Human Genetics Tuebingen Variant Classification Criteria Version 2. Collection method: clinical testing. Allele origin: germline. Affected: yes. Observed: 3 variant alleles.

GeneDx
Classification: Uncertain significance. Last evaluated: 2025-03-05. Review status: criteria provided, single submitter. Criteria: GeneDx Variant Classification Process June 2021. Collection method: clinical testing. Allele origin: germline. Affected: yes.
Comment: In silico analysis supports that this missense variant has a deleterious effect on protein structure/function; Has not been previously published as pathogenic or benign to our knowledge

Baylor Genetics
Classification: Uncertain significance for Rhabdoid tumor predisposition syndrome 2. Last evaluated: 2024-02-28. Review status: criteria provided, single submitter. Criteria: ACMG Guidelines, 2015. Collection method: clinical testing. Allele origin: unknown.

St. Jude Molecular Pathology, St. Jude Children's Research Hospital
Classification: Uncertain significance for Rhabdoid tumor predisposition syndrome 2. Last evaluated: 2021-08-19. Review status: criteria provided, single submitter. Criteria: St. Jude Assertion Criteria 2020. Collection method: clinical testing. Allele origin: germline.
Comment: The SMARCA4 c.983C>T (p.Pro328Leu) missense change has a maximum subpopulation frequency of 0.0035% in gnomAD v2.1.1. In silico tools are not in agreement about the effect of this variant on protein function, but to our knowledge these predictions have not been confirmed by functional assays. To our knowledge, this variant has not been reported in individuals with rhabdoid tumor predisposition syndrome. In summary, this variant meets criteria to be classified as of uncertain significance based on the ACMG/AMP criteria: no criteria met.

Genome-Nilou Lab
Classification: Uncertain significance for Intellectual disability, autosomal dominant 16. Last evaluated: 2021-07-15. Review status: criteria provided, single submitter. Criteria: ACMG Guidelines, 2015. Collection method: clinical testing. Allele origin: germline. Affected: no.

Ambry Genetics
Classification: Likely benign for Hereditary cancer-predisposing syndrome. Last evaluated: 2021-05-14. Review status: criteria provided, single submitter. Criteria: Ambry Variant Classification Scheme 2023. Collection method: clinical testing. Allele origin: germline.

NM_003072.5(SMARCA4):c.983C>T (p.Pro328Leu)

Gene: SMARCA4 (SWI/SNF related BAF chromatin remodeling complex subunit ATPase 4; plus strand). Cytogenetic location: 19p13.2.
Variant type: single nucleotide variant.
Coding change: c.983C>T on transcript NM_003072.5 (MANE Select); coding-DNA position 983, C replaced by T.
Protein change: p.Pro328Leu; replaces proline 328 with leucine.
Molecular consequence: missense variant. On other transcripts: non-coding transcript variant (1).
Genome position (GRCh38, 1-based): chr19:10,987,789, C>T. VCF-style: chr19-10987789-C-T. GRCh37 (hg19) VCF-style: chr19-11098465-C-T.
Other names: c.983C>T, p.Pro328Leu (NM_001128844.3, NM_001128845.2, NM_001128846.2 and 5 more transcripts); short protein forms P328L.
Identifiers: ClinVar variation 238535 (VCV000238535.29), dbSNP rs370097699, ClinGen allele CA9203648.
Genomic context (GRCh38, chr19:10,987,789, plus strand): 5'-CGGGCCGCCCTTCCCCCGCGCCCCCTGCCGTCCCACCCGCCGCCTCGCCCGTGATGCCAC[C>T]GCAGACCCAGTCCCCCGGGCAGCCGGCCCAGCCCGCGCCCATGGTGCCACTGCACCAGAA-3'
Protein context (NP_003063.2, residues 318-338): VPPAASPVMP[Pro328Leu]QTQSPGQPAQ